The following is an entry in ClinVar:

ClinVar aggregate classification (germline): Likely benign. Review status: criteria provided, multiple submitters, no conflicts (2 of 4 stars). 3 submissions from 3 submitters: Likely benign (2). 1 of the submissions does not count toward it. Last evaluated 2025-09-08.

Conditions:
GRM6-related disorder. Also called: GRM6-related condition.

Allele frequency attached by ClinVar (database versions not stated): ESP Exome Variant Server 0.00008; TOPMed 0.00021; 1000 Genomes Project 30x 0.00094; 1000 Genomes Project 0.00120.
gnomAD v4.1: 409 of 1,604,794 alleles (0.025%); highest among the groups gnomAD compares: Middle Eastern, 0.2%; 3 homozygotes.

Submissions (3):

Labcorp Genetics (formerly Invitae), Labcorp
Classification: Likely benign. Last evaluated: 2025-09-08. Review status: criteria provided, single submitter. Criteria: Invitae Variant Classification Sherloc (09022015). Collection method: clinical testing. Allele origin: germline.

CeGaT Center for Human Genetics Tuebingen
Classification: Likely benign. Last evaluated: 2023-02-01. Review status: criteria provided, single submitter. Criteria: CeGaT Center For Human Genetics Tuebingen Variant Classification Criteria Version 2. Collection method: clinical testing. Allele origin: germline. Affected: yes. Observed: 1 variant allele.
Comment: GRM6: BP4, BP7

PreventionGenetics, part of Exact Sciences
Classification: Likely benign for GRM6-related condition. Last evaluated: 2019-11-25. Review status: no assertion criteria provided. Collection method: clinical testing. Allele origin: germline. Not counted in ClinVar's aggregate classification.
Comment: This variant is classified as likely benign based on ACMG/AMP sequence variant interpretation guidelines (Richards et al. 2015 PMID: 25741868, with internal and published modifications).

NM_000843.4(GRM6):c.1653C>T (p.Asp551=)

Genes: GRM6 (glutamate metabotropic receptor 6; minus strand), ZNF454 (zinc finger protein 454; plus strand). Cytogenetic location: 5q35.3.
Variant type: single nucleotide variant.
Coding change: c.1653C>T on transcript NM_000843.4 (MANE Select); coding-DNA position 1653, C replaced by T.
Protein change: p.Asp551=; no amino-acid change (aspartic acid 551 retained).
Molecular consequence: synonymous variant.
Genome position (GRCh38, 1-based): chr5:178,986,601, G>A on the plus strand (C>T on the coding strand, the complement: GRM6 is on the minus strand). VCF-style: chr5-178986601-G-A. GRCh37 (hg19) VCF-style: chr5-178413602-G-A.
Identifiers: ClinVar variation 730258 (VCV000730258.35), dbSNP rs138188422, ClinGen allele CA3593964.